The following is an entry in ClinVar:

ClinVar aggregate classification (germline): Uncertain significance (1 of 4 stars; one submission).

Conditions:
COG5-congenital disorder of glycosylation. Also called: CDG IIi; COG5-CDG; CONGENITAL DISORDER OF GLYCOSYLATION, TYPE IIi. Identifiers: Orphanet 263487, MedGen C3150876, MONDO:0013325, OMIM 613612.

Allele frequency attached by ClinVar (database versions not stated): ExAC 0.00002; gnomAD 0.00002; TOPMed 0.00002.
gnomAD v4.1: 64 of 1,613,978 alleles (0.004%); highest among the groups gnomAD compares: Non-Finnish European, 0.0053%; no homozygotes.

Submission:

Labcorp Genetics (formerly Invitae), Labcorp
Classification: Uncertain significance for COG5-congenital disorder of glycosylation. Last evaluated: 2022-08-22. Review status: criteria provided, single submitter. Criteria: Invitae Variant Classification Sherloc (09022015). Collection method: clinical testing. Allele origin: germline.
Comment: This sequence change replaces glycine, which is neutral and non-polar, with valine, which is neutral and non-polar, at codon 670 of the COG5 protein (p.Gly670Val). This variant is present in population databases (rs757204685, gnomAD 0.003%). This variant has not been reported in the literature in individuals affected with COG5-related conditions. Algorithms developed to predict the effect of missense changes on protein structure and function are either unavailable or do not agree on the potential impact of this missense change (SIFT: "Tolerated"; PolyPhen-2: "Possibly Damaging"; Align-GVGD: "Class C0"). In summary, the available evidence is currently insufficient to determine the role of this variant in disease. Therefore, it has been classified as a Variant of Uncertain Significance.

NM_006348.5(COG5):c.1916G>T (p.Gly639Val)

Gene: COG5 (component of oligomeric golgi complex 5; minus strand). Cytogenetic location: 7q22.3.
Variant type: single nucleotide variant.
Coding change: c.1916G>T on transcript NM_006348.5 (MANE Select); coding-DNA position 1916, G replaced by T.
Protein change: p.Gly639Val; replaces glycine 639 with valine.
Molecular consequence: missense variant. On other transcripts: intron variant (1).
Genome position (GRCh38, 1-based): chr7:107,236,625, C>A on the plus strand (G>T on the coding strand, the complement: COG5 is on the minus strand). VCF-style: chr7-107236625-C-A. GRCh37 (hg19) VCF-style: chr7-106877070-C-A.
Other names: c.1916G>T, p.Gly639Val (NM_001161520.2, NM_001379513.1); c.1754G>T, p.Gly585Val (NM_001379511.1); c.1742G>T, p.Gly581Val (NM_001379512.1); c.1346G>T, p.Gly449Val (NM_001379515.1); c.1202G>T, p.Gly401Val (NM_001379516.1); c.1853G>T, p.Gly618Val (NM_181733.4); c.1853+11771G>T (NM_001379514.1); short protein forms G449V, G585V, G618V, G639V, G401V, G581V.
Identifiers: ClinVar variation 1903170 (VCV001903170.2), dbSNP rs757204685, ClinGen allele CA4430738.